The following is an entry in ClinVar:

NM_000222.3(KIT):c.233A>G (p.Lys78Arg)

Gene: KIT (KIT proto-oncogene, receptor tyrosine kinase; plus strand). Cytogenetic location: 4q12.
Variant type: single nucleotide variant.
Coding change: c.233A>G on transcript NM_000222.3 (MANE Select); coding-DNA position 233, A replaced by G.
Protein change: p.Lys78Arg; replaces lysine 78 with arginine.
Molecular consequence: missense variant.
Genome position (GRCh38, 1-based): chr4:54,695,677, A>G. VCF-style: chr4-54695677-A-G. GRCh37 (hg19) VCF-style: chr4-55561843-A-G.
Other names: c.233A>G, p.Lys78Arg (NM_001093772.2, NM_001385284.1, NM_001385285.1 and 4 more transcripts); short protein forms K78R.
Identifiers: ClinVar variation 846777 (VCV000846777.10), dbSNP rs1720015087, ClinGen allele CA356897123.

ClinVar aggregate classification (germline): Uncertain significance (1 of 4 stars; one submission).

Conditions:
Gastrointestinal stromal tumor. Also called: Gastrointestinal stromal tumor, somatic; Gastrointestinal stroma tumor. Identifiers: Orphanet 44890, MedGen C0238198, MeSH D046152, MONDO:0011719, OMIM 606764, HP:0100723.

Submission:

Labcorp Genetics (formerly Invitae), Labcorp
Classification: Uncertain significance for Gastrointestinal stromal tumor. Last evaluated: 2019-03-29. Review status: criteria provided, single submitter. Criteria: Invitae Variant Classification Sherloc (09022015). Collection method: clinical testing. Allele origin: germline.
Comment: Algorithms developed to predict the effect of missense changes on protein structure and function output the following: SIFT: "Tolerated"; PolyPhen-2: "Benign"; Align-GVGD: "Class C0". The arginine amino acid residue is found in multiple mammalian species, suggesting that this missense change does not adversely affect protein function. These predictions have not been confirmed by published functional studies and their clinical significance is uncertain. This variant has not been reported in the literature in individuals with KIT-related conditions. This variant is not present in population databases (ExAC no frequency). This sequence change replaces lysine with arginine at codon 78 of the KIT protein (p.Lys78Arg). The lysine residue is weakly conserved and there is a small physicochemical difference between lysine and arginine. In summary, the available evidence is currently insufficient to determine the role of this variant in disease. Therefore, it has been classified as a Variant of Uncertain Significance.